The following is an entry in ClinVar:

NM_001267550.2(TTN):c.25970del (p.Gly8657fs)

Gene: TTN (titin; minus strand). Cytogenetic location: 2q31.2.
Variant type: Deletion.
Coding change: c.25970del on transcript NM_001267550.2 (MANE Select); coding-DNA position 25970, one base deleted (G; older notation c.25970delG).
Protein change: p.Gly8657fs; shifts the reading frame from glycine 8657.
Molecular consequence: frameshift variant. On other transcripts: intron variant (3).
Genome position (GRCh38, 1-based): chr2:178,715,216, C deleted on the plus strand (G on the coding strand, the reverse complement: TTN is on the minus strand); the first of 2 consecutive C bases (chr2:178,715,216-178,715,217); deleting either gives the same sequence. VCF-style (leftmost placement, unchanged base first): chr2-178715215-TC-T. GRCh37 (hg19) VCF-style: chr2-179579942-TC-T.
Other names: c.25019del, p.Gly8340fs (NM_001256850.1); c.22238del, p.Gly7413fs (NM_133378.4); c.13282+22866del (NM_003319.4); c.13858+22866del (NM_133437.4); c.13657+22866del (NM_133432.3); short protein forms G7413fs, G8340fs, G8657fs.
Identifiers: ClinVar variation 1678108 (VCV001678108.4), dbSNP rs2154297689, ClinGen allele CA2573133936.

ClinVar aggregate classification (germline): Conflicting classifications of pathogenicity. Review status: criteria provided, conflicting classifications (1 of 4 stars). 3 submissions from 3 submitters: Likely pathogenic (2); Uncertain significance (1). Last evaluated 2025-01-08.

Conditions:
Dilated cardiomyopathy 1G (CMD1G). Identifiers: Orphanet 154, MedGen C1858763, MONDO:0011400, OMIM 604145.
Autosomal recessive limb-girdle muscular dystrophy type 2J (LGMDR10). Also called: Limb-girdle muscular dystrophy, type 2J; MUSCULAR DYSTROPHY, LIMB-GIRDLE, AUTOSOMAL RECESSIVE 10. Identifiers: Orphanet 140922, MedGen C1837342, MONDO:0012127, OMIM 608807.

Submissions (3):

Revvity Omics, Revvity
Classification: Uncertain significance. Last evaluated: 2025-01-08. Review status: criteria provided, single submitter. Criteria: ACMG Guidelines, 2015. Collection method: clinical testing. Allele origin: germline.

Labcorp Genetics (formerly Invitae), Labcorp
Classification: Likely pathogenic for Dilated cardiomyopathy 1G; Autosomal recessive limb-girdle muscular dystrophy type 2J. Last evaluated: 2024-11-11. Review status: criteria provided, single submitter. Criteria: Invitae Variant Classification Sherloc (09022015). Collection method: clinical testing. Allele origin: germline.
Comment: This sequence change creates a premature translational stop signal (p.Gly8657Glufs*35) in the TTN gene. While this is not anticipated to result in nonsense mediated decay, it is expected to create a truncated TTN protein. This variant is not present in population databases (gnomAD no frequency). This variant has not been reported in the literature in individuals affected with TTN-related conditions. ClinVar contains an entry for this variant (Variation ID: 1678108). This variant is located in the I band of TTN (PMID: 25589632). Truncating variants in this region have been reported in individuals affected with autosomal recessive centronuclear myopathy (PMID: 23975875, internal data). Truncating variants in this region have also been identified in individuals affected with autosomal dominant dilated cardiomyopathy and/or cardio-related conditions (PMID: 27869827, 32964742, internal data). In summary, the currently available evidence indicates that the variant is pathogenic, but additional data are needed to prove that conclusively. Therefore, this variant has been classified as Likely Pathogenic.

AiLife Diagnostics
Classification: Likely pathogenic. Last evaluated: 2021-09-20. Review status: criteria provided, single submitter. Criteria: ACMG Guidelines, 2015. Collection method: clinical testing. Allele origin: germline. Affected: yes. Observed: 1 variant allele.

Literature cited by the submitters: PubMed 25589632 (cited by Labcorp Genetics (formerly Invitae), Labcorp); PubMed 23975875 (cited by Labcorp Genetics (formerly Invitae), Labcorp); PubMed 27869827 (cited by Labcorp Genetics (formerly Invitae), Labcorp); PubMed 32964742 (cited by Labcorp Genetics (formerly Invitae), Labcorp).